The following is an entry in ClinVar:

ClinVar aggregate classification (germline): Uncertain significance (1 of 4 stars; one submission).

Conditions:
Glycogen storage disease IXb (GSD9B). Also called: PHOSPHORYLASE KINASE DEFICIENCY OF LIVER AND MUSCLE, AUTOSOMAL RECESSIVE; GLYCOGENOSIS OF LIVER AND MUSCLE, AUTOSOMAL RECESSIVE; GSD IXb. Identifiers: Orphanet 79240, MedGen C0543514, MONDO:0009868, OMIM 261750.

Allele frequency attached by ClinVar (database versions not stated): TOPMed 0.00002.
gnomAD v4.1: 11 of 1,605,692 alleles (0.00069%); highest among the groups gnomAD compares: African/African-American, 0.0013%; no homozygotes.

Submission:

Labcorp Genetics (formerly Invitae), Labcorp
Classification: Uncertain significance for Glycogen storage disease IXb. Last evaluated: 2022-01-08. Review status: criteria provided, single submitter. Criteria: Invitae Variant Classification Sherloc (09022015). Collection method: clinical testing. Allele origin: germline.
Comment: This sequence change replaces glutamine, which is neutral and polar, with histidine, which is basic and polar, at codon 516 of the PHKB protein (p.Gln516His). This variant is not present in population databases (gnomAD no frequency). This variant has not been reported in the literature in individuals affected with PHKB-related conditions. Algorithms developed to predict the effect of missense changes on protein structure and function are either unavailable or do not agree on the potential impact of this missense change (SIFT: "Deleterious"; PolyPhen-2: "Benign"; Align-GVGD: "Class C0"). In summary, the available evidence is currently insufficient to determine the role of this variant in disease. Therefore, it has been classified as a Variant of Uncertain Significance.

NM_000293.3(PHKB):c.1548A>T (p.Gln516His)

Gene: PHKB (phosphorylase kinase regulatory subunit beta; plus strand). Cytogenetic location: 16q12.1.
Variant type: single nucleotide variant.
Coding change: c.1548A>T on transcript NM_000293.3 (MANE Select); coding-DNA position 1548, A replaced by T.
Protein change: p.Gln516His; replaces glutamine 516 with histidine.
Molecular consequence: missense variant.
Genome position (GRCh38, 1-based): chr16:47,641,632, A>T. VCF-style: chr16-47641632-A-T. GRCh37 (hg19) VCF-style: chr16-47675543-A-T.
Other names: c.1527A>T, p.Gln509His (NM_001031835.3); c.1548A>T, p.Gln516His (NM_001363837.1); short protein forms Q516H, Q509H.
Identifiers: ClinVar variation 1980251 (VCV001980251.1), dbSNP rs996846426, ClinGen allele CA280204984.